The following is an entry in ClinVar:

NM_004247.4(EFTUD2):c.1920_1923dup (p.His642fs)

Gene: EFTUD2 (elongation factor Tu GTP binding domain containing 2; minus strand). Cytogenetic location: 17q21.31.
Variant type: Duplication.
Coding change: c.1920_1923dup on transcript NM_004247.4 (MANE Select); coding-DNA positions 1920 to 1923, 4 bases duplicated (GATG; older notation c.1920_1923dupGATG).
Protein change: p.His642fs; shifts the reading frame from histidine 642.
Molecular consequence: frameshift variant.
Genome position (GRCh38, 1-based): chr17:44,859,119-44,859,122, CATC duplicated on the plus strand (GATG on the coding strand, the reverse complement: EFTUD2 is on the minus strand). VCF-style (leftmost placement, unchanged base first): chr17-44859118-G-GCATC. GRCh37 (hg19) VCF-style: chr17-42936486-G-GCATC.
Other names: c.1815_1818dup, p.His607fs (NM_001142605.2); c.1920_1923dup, p.His642fs (NM_001258353.2); c.1890_1893dup, p.His632fs (NM_001258354.2); short protein forms H642fs, H607fs, H632fs.
Identifiers: ClinVar variation 1409617 (VCV001409617.6), dbSNP rs2145455397, ClinGen allele CA2573153947.

ClinVar aggregate classification (germline): Pathogenic (1 of 4 stars; one submission).

Submission:

Labcorp Genetics (formerly Invitae), Labcorp
Classification: Pathogenic. Last evaluated: 2021-01-13. Review status: criteria provided, single submitter. Criteria: Invitae Variant Classification Sherloc (09022015). Collection method: clinical testing. Allele origin: germline.
Comment: For these reasons, this variant has been classified as Pathogenic. This variant has not been reported in the literature in individuals with EFTUD2-related conditions. This variant is not present in population databases (ExAC no frequency). This sequence change creates a premature translational stop signal (p.His642Aspfs*3) in the EFTUD2 gene. It is expected to result in an absent or disrupted protein product. Loss-of-function variants in EFTUD2 are known to be pathogenic (PMID: 24999515, 26507355).

Literature cited by the submitters: PubMed 24999515; PubMed 26507355.